The following is an entry in ClinVar:

NM_001378452.1(ITPR1):c.2097G>C (p.Leu699=)

Gene: ITPR1 (inositol 1,4,5-trisphosphate receptor type 1; plus strand). Cytogenetic location: 3p26.1.
Variant type: single nucleotide variant.
Coding change: c.2097G>C on transcript NM_001378452.1 (MANE Select); coding-DNA position 2097, G replaced by C.
Protein change: p.Leu699=; no amino-acid change (leucine 699 retained).
Molecular consequence: synonymous variant.
Genome position (GRCh38, 1-based): chr3:4,670,819, G>C. VCF-style: chr3-4670819-G-C. GRCh37 (hg19) VCF-style: chr3-4712503-G-C.
Other names: c.2097G>C, p.Leu699= (NM_001099952.4); c.2052G>C, p.Leu684= (NM_001168272.2, NM_002222.7).
Identifiers: ClinVar variation 2653453 (VCV002653453.24), dbSNP rs759513212, ClinGen allele CA2231340.

ClinVar aggregate classification (germline): Likely benign (1 of 4 stars; one submission).

Allele frequency attached by ClinVar (database versions not stated): ExAC 0.00001; gnomAD 0.00002; TOPMed 0.00002.
gnomAD v4.1: 21 of 1,610,542 alleles (0.0013%); highest among the groups gnomAD compares: Non-Finnish European, 0.0017%; no homozygotes.

Submission:

CeGaT Center for Human Genetics Tuebingen
Classification: Likely benign. Last evaluated: 2022-11-01. Review status: criteria provided, single submitter. Criteria: CeGaT Center For Human Genetics Tuebingen Variant Classification Criteria Version 2. Collection method: clinical testing. Allele origin: germline. Affected: yes. Observed: 1 variant allele.
Comment: ITPR1: BP4, BP7